The following is an entry in ClinVar:

ClinVar aggregate classification (germline): Uncertain significance (1 of 4 stars; one submission).

Conditions:
FAT4-related disorder. Also called: FAT4-related condition.

gnomAD v4.1: 8 of 1,614,006 alleles (0.0005%); highest among the groups gnomAD compares: African/African-American, 0.0013%; no homozygotes.

Submission:

PreventionGenetics, part of Exact Sciences
Classification: Uncertain significance for FAT4-related condition. Last evaluated: 2025-01-13. Review status: criteria provided, single submitter. Criteria: ACMG Guidelines, 2015. Collection method: clinical testing. Allele origin: germline.
Comment: The FAT4 c.1678C>A variant is predicted to result in the amino acid substitution p.His560Asn. To our knowledge, this variant has not been reported in the literature. This variant is reported in 0.0026% of alleles in individuals of European (non-Finnish) descent in gnomAD. At this time, the clinical significance of this variant is uncertain due to the absence of conclusive functional and genetic evidence.

NM_001291303.3(FAT4):c.1678C>A (p.His560Asn)

Gene: FAT4 (FAT atypical cadherin 4; plus strand). Cytogenetic location: 4q28.1.
Variant type: single nucleotide variant.
Coding change: c.1678C>A on transcript NM_001291303.3 (MANE Select); coding-DNA position 1678, C replaced by A.
Protein change: p.His560Asn; replaces histidine 560 with asparagine.
Molecular consequence: missense variant. On other transcripts: intron variant (1).
Genome position (GRCh38, 1-based): chr4:125,318,089, C>A. VCF-style: chr4-125318089-C-A. GRCh37 (hg19) VCF-style: chr4-126239244-C-A.
Other names: c.1678C>A, p.His560Asn (NM_001291285.3, NM_001438396.1, NM_001438397.1 and 1 more transcripts); c.-55+2112C>A (NM_001437895.1); short protein forms H560N.
Identifiers: ClinVar variation 4987185 (VCV004987185.1).
Genomic context (GRCh38, chr4:125,318,089, plus strand): 5'-CTGGACCGTGAACTTGCTTCCCAGATTGTTCTGAATATAAGTGCCCGGGACCAGGGAGTT[C>A]ACCCCAAGGTGTCCTATGCCCAGCTTGTAGTAACTCTCCTAGATGTGAATGATGAAAAGC-3'
Protein context (NP_001278232.1, residues 550-570): LNISARDQGV[His560Asn]PKVSYAQLVV